The following is an entry in ClinVar:

NM_001385079.1(PDE10A):c.2257C>G (p.Pro753Ala)

Gene: PDE10A (phosphodiesterase 10A; minus strand). Cytogenetic location: 6q27.
Variant type: single nucleotide variant.
Coding change: c.2257C>G on transcript NM_001385079.1 (MANE Select); coding-DNA position 2257, C replaced by G.
Protein change: p.Pro753Ala; replaces proline 753 with alanine.
Molecular consequence: missense variant.
Genome position (GRCh38, 1-based): chr6:165,395,227, G>C on the plus strand (C>G on the coding strand, the complement: PDE10A is on the minus strand). VCF-style: chr6-165395227-G-C. GRCh37 (hg19) VCF-style: chr6-165808716-G-C.
Other names: p.Pro487Ala; c.1459C>G, p.Pro487Ala (NM_001130690.3); c.1429C>G, p.Pro477Ala (NM_006661.4); short protein forms P487A, P477A, P753A.
Identifiers: ClinVar variation 425404 (VCV000425404.56), dbSNP rs61733392, ClinGen allele CA4092159.

ClinVar aggregate classification (germline): Benign/Likely benign. Review status: criteria provided, multiple submitters, no conflicts (2 of 4 stars). 4 submissions from 4 submitters: Benign (1); Likely benign (2). 1 of the submissions does not count toward it. Last evaluated 2026-08-01.

Conditions:
PDE10A-related disorder. Also called: PDE10A-related condition.

Allele frequency attached by ClinVar (database versions not stated): 1000 Genomes Project 30x 0.00203; 1000 Genomes Project 0.00240; gnomAD exomes 0.00436 and 0.00703; ExAC 0.00452; gnomAD 0.00465 and 0.00478; TOPMed 0.00470; ESP Exome Variant Server 0.00546.
gnomAD v4.1: 10,862 of 1,613,036 alleles (0.67%); highest among the groups gnomAD compares: Non-Finnish European, 0.84%; 37 homozygotes.

Submissions (9):

CeGaT Center for Human Genetics Tuebingen
Classification: Likely benign. Last evaluated: 2026-08-01. Review status: criteria provided, single submitter. Criteria: CeGaT Center For Human Genetics Tuebingen Variant Classification Criteria Version 2. Collection method: clinical testing. Allele origin: germline. Affected: yes. Observed: 15 variant alleles.
Comment: PDE10A: BS2

Labcorp Genetics (formerly Invitae), Labcorp
Classification: Likely benign. Last evaluated: 2026-01-15. Review status: criteria provided, single submitter. Criteria: Invitae Variant Classification Sherloc (09022015). Collection method: clinical testing. Allele origin: germline.

Mayo Clinic Laboratories, Mayo Clinic
Classification: Benign. Last evaluated: 2023-05-15. Review status: criteria provided, single submitter. Criteria: ACMG Guidelines, 2015. Collection method: clinical testing. Allele origin: germline. Observed: 12 variant alleles.
Comment: BS1, BS2

PreventionGenetics, part of Exact Sciences
Classification: Benign for PDE10A-related condition. Last evaluated: 2019-10-14. Review status: no assertion criteria provided. Collection method: clinical testing. Allele origin: germline. Not counted in ClinVar's aggregate classification.
Comment: This variant is classified as benign based on ACMG/AMP sequence variant interpretation guidelines (Richards et al. 2015 PMID: 25741868, with internal and published modifications).

Dr. Peter K. Rogan Lab, Western University
No classification provided (evidence only). Condition: Thyroid cancer, nonmedullary, 1. Review status: no classification provided. Collection method: in vitro. Allele origin: not applicable. Functional consequence: retained intron. Not counted in ClinVar's aggregate classification.

Dr. Peter K. Rogan Lab, Western University
No classification provided (evidence only). Condition: Sarcoma. Review status: no classification provided. Collection method: in vitro. Allele origin: not applicable. Functional consequence: retained intron. Not counted in ClinVar's aggregate classification.

Dr. Peter K. Rogan Lab, Western University
No classification provided (evidence only). Condition: Sarcoma. Review status: no classification provided. Collection method: in vitro. Allele origin: not applicable. Functional consequence: retained intron. Not counted in ClinVar's aggregate classification.

Dr. Peter K. Rogan Lab, Western University
No classification provided (evidence only). Condition: Gastric cancer. Review status: no classification provided. Collection method: in vitro. Allele origin: not applicable. Functional consequence: retained intron. Not counted in ClinVar's aggregate classification.

Dr. Peter K. Rogan Lab, Western University
No classification provided (evidence only). Condition: Uveal melanoma. Review status: no classification provided. Collection method: in vitro. Allele origin: not applicable. Functional consequence: retained intron. Not counted in ClinVar's aggregate classification.